The following is an entry in ClinVar:

ClinVar aggregate classification (germline): Benign. Review status: criteria provided, multiple submitters, no conflicts (2 of 4 stars). 3 submissions from 3 submitters: Benign (3). Last evaluated 2023-11-12.

Conditions:
Pyogenic arthritis-pyoderma gangrenosum-acne syndrome (PAPA). Also called: PAPA SYNDROME; FAMILIAL RECURRENT ARTHRITIS. Identifiers: Orphanet 69126, MedGen C1858361, MONDO:0011462, OMIM 604416.

Submissions (3):

Unidad de Genómica Garrahan, Hospital de Pediatría Garrahan
Classification: Benign. Last evaluated: 2023-11-12. Review status: criteria provided, single submitter. Criteria: ACMG Guidelines, 2015. Collection method: clinical testing. Allele origin: germline. Affected: no. Observed: 92 variant alleles.
Comment: This variant is classified as Benign based on local population frequency. This variant was detected in 96% of patients studied by a panel of primary immunodeficiencies. Number of patients: 92. Only high quality variants are reported.

Genome-Nilou Lab
Classification: Benign for Pyogenic arthritis-pyoderma gangrenosum-acne syndrome. Last evaluated: 2021-10-25. Review status: criteria provided, single submitter. Criteria: ACMG Guidelines, 2015. Collection method: clinical testing. Allele origin: germline. Affected: no.

GeneDx
Classification: Benign. Last evaluated: 2019-12-09. Review status: criteria provided, single submitter. Criteria: GeneDx Variant Classification Process June 2021. Collection method: clinical testing. Allele origin: germline. Affected: yes.

NM_003978.5(PSTPIP1):c.986-33dup

Gene: PSTPIP1 (proline-serine-threonine phosphatase interacting protein 1; plus strand). Cytogenetic location: 15q24.3.
Variant type: Duplication.
Coding change: c.986-33dup on transcript NM_003978.5 (MANE Select); 33 bases into the intron before coding-DNA position 986, one base duplicated (A; older notation c.986-33dupA).
Molecular consequence: intron variant.
Genome position (GRCh38, 1-based): chr15:77,035,769, A duplicated; the last of 2 consecutive A bases (chr15:77,035,768-77,035,769); duplicating either gives the same sequence. VCF-style (leftmost placement, unchanged base first): chr15-77035767-G-GA. GRCh37 (hg19) VCF-style: chr15-77328108-G-GA.
Other names: c.1181-33dup (NM_001321137.1); c.959-33dup (NM_001321136.2); c.929-33dup (NM_001321135.2).
Identifiers: ClinVar variation 1251318 (VCV001251318.6), dbSNP rs11373069, ClinGen allele CA7676115.
Genomic context (GRCh38, chr15:77,035,767, plus strand): 5'-GGCAGGGCCCAGCATGGAGAAACCCCATTCTAGTAGGACTTCCAGGGGCCAGTGTCCCCA[G>GA]AAGGGGAGGGGTCTATGTCTCACCCTGCTCTTAGCGTCCACAGAGACCCTGACCCCCACC-3'